The following is an entry in ClinVar:

NM_182972.3(IRF2BP2):c.824C>T (p.Thr275Ile)

Gene: IRF2BP2 (interferon regulatory factor 2 binding protein 2; minus strand). Cytogenetic location: 1q42.3.
Variant type: single nucleotide variant.
Coding change: c.824C>T on transcript NM_182972.3 (MANE Select); coding-DNA position 824, C replaced by T.
Protein change: p.Thr275Ile; replaces threonine 275 with isoleucine.
Molecular consequence: missense variant.
Genome position (GRCh38, 1-based): chr1:234,608,671, G>A on the plus strand (C>T on the coding strand, the complement: IRF2BP2 is on the minus strand). VCF-style: chr1-234608671-G-A. GRCh37 (hg19) VCF-style: chr1-234744417-G-A.
Other names: c.824C>T, p.Thr275Ile (NM_001077397.1); short protein forms T275I.
Identifiers: ClinVar variation 2054323 (VCV002054323.4), dbSNP rs1672244056, ClinGen allele CA345308262.
Genomic context (GRCh38, chr1:234,608,671, plus strand): 5'-TCTCCAGACCCGCGGCTCTTGCCCGCACCTTCCGCGCTCAGCTCGGCGGCCCCGGCCGCG[G>A]TGGACAGGCTGTCGGCCGGGCCCCGGTGCGCAGGCGGCGGCGGTTGTTTCTCCTTGGCTG-3'
Protein context (NP_892017.2, residues 265-285): AHRGPADSLS[Thr275Ile]AAGAAELSAE

ClinVar aggregate classification (germline): Uncertain significance (1 of 4 stars; one submission).

Allele frequency attached by ClinVar (database versions not stated): gnomAD exomes below 0.00001.

Submission:

Labcorp Genetics (formerly Invitae), Labcorp
Classification: Uncertain significance. Last evaluated: 2025-10-02. Review status: criteria provided, single submitter. Criteria: Invitae Variant Classification Sherloc (09022015). Collection method: clinical testing. Allele origin: germline.
Comment: This sequence change replaces threonine, which is neutral and polar, with isoleucine, which is neutral and non-polar, at codon 275 of the IRF2BP2 protein (p.Thr275Ile). This variant is not present in population databases (gnomAD no frequency). This variant has not been reported in the literature in individuals affected with IRF2BP2-related conditions. ClinVar contains an entry for this variant (Variation ID: 2054323). An algorithm developed to predict the effect of missense changes on protein structure and function (PolyPhen-2) suggests that this variant is likely to be tolerated. In summary, the available evidence is currently insufficient to determine the role of this variant in disease. Therefore, it has been classified as a Variant of Uncertain Significance.